The following is an entry in ClinVar:

ClinVar aggregate classification (germline): Pathogenic (1 of 4 stars; one submission).

Submission:

Labcorp Genetics (formerly Invitae), Labcorp
Classification: Pathogenic. Last evaluated: 2022-02-22. Review status: criteria provided, single submitter. Criteria: Invitae Variant Classification Sherloc (09022015). Collection method: clinical testing. Allele origin: germline.
Comment: This sequence change affects a donor splice site in intron 11 of the TCIRG1 gene. It is expected to disrupt RNA splicing. Variants that disrupt the donor or acceptor splice site typically lead to a loss of protein function (PMID: 16199547), and loss-of-function variants in TCIRG1 are known to be pathogenic (PMID: 10888887, 10942435, 11532986, 19448635). This variant is not present in population databases (gnomAD no frequency). Disruption of this splice site has been observed in individuals with osteopetrosis (PMID: 22231430; Invitae). Algorithms developed to predict the effect of sequence changes on RNA splicing suggest that this variant may disrupt the consensus splice site. For these reasons, this variant has been classified as Pathogenic.

Literature cited by the submitters: PubMed 16199547; PubMed 10888887; PubMed 10942435; PubMed 11532986; PubMed 19448635; PubMed 22231430.

NM_006019.4(TCIRG1):c.1305+1G>T

Gene: TCIRG1 (T cell immune regulator 1, ATPase H+ transporting V0 subunit a3; plus strand). Cytogenetic location: 11q13.2.
Variant type: single nucleotide variant.
Coding change: c.1305+1G>T on transcript NM_006019.4 (MANE Select); the canonical splice donor site of the intron after coding-DNA position 1305, G replaced by T.
Molecular consequence: splice donor variant.
Genome position (GRCh38, 1-based): chr11:68,047,573, G>T. VCF-style: chr11-68047573-G-T. GRCh37 (hg19) VCF-style: chr11-67815040-G-T.
Other names: c.411+1G>T (NM_001351059.2); c.657+1G>T (NM_006053.4).
Identifiers: ClinVar variation 2178808 (VCV002178808.4), dbSNP rs2134454644, ClinGen allele CA381582483.
Genomic context (GRCh38, chr11:68,047,573, plus strand): 5'-TTCGCCCTGGCCATGGTCCTTGCGGAGAACCGACCGGCTGTGAAGGCCGCGCAGAACGAG[G>T]TGAGGGGCGGGGCTGGGGTCCTGATGAGGGTAGCAGGGCCAGGCAGCCCCTCACCACACC-3'